The following is an entry in ClinVar:

ClinVar aggregate classification (germline): Pathogenic (1 of 4 stars; one submission).

Conditions:
Multiple congenital exostosis (EXT). Also called: Multiple osteochondromas; MULTIPLE CARTILAGINOUS EXOSTOSES; Hereditary multiple osteochondromas; Hereditary multiple exostoses; Hereditary multiple exostosis; Multiple exostoses. Identifiers: Orphanet 321, MedGen C0015306, MONDO:0005508, HP:0002762.

Submission:

Labcorp Genetics (formerly Invitae), Labcorp
Classification: Pathogenic for Multiple congenital exostosis. Last evaluated: 2023-06-04. Review status: criteria provided, single submitter. Criteria: Invitae Variant Classification Sherloc (09022015). Collection method: clinical testing. Allele origin: germline.
Comment: For these reasons, this variant has been classified as Pathogenic. This variant has not been reported in the literature in individuals affected with EXT1-related conditions. This variant is not present in population databases (gnomAD no frequency). This sequence change creates a premature translational stop signal (p.Cys152Serfs*36) in the EXT1 gene. It is expected to result in an absent or disrupted protein product. Loss-of-function variants in EXT1 are known to be pathogenic (PMID: 10679937, 11391482, 19810120).

Literature cited by the submitters: PubMed 10679937; PubMed 11391482; PubMed 19810120.

NM_000127.3(EXT1):c.455_456del (p.Cys152fs)

Gene: EXT1 (exostosin glycosyltransferase 1; minus strand). Cytogenetic location: 8q24.11.
Variant type: Deletion.
Coding change: c.455_456del on transcript NM_000127.3 (MANE Select); coding-DNA positions 455 to 456, 2 bases deleted (GC; older notation c.455_456delGC).
Protein change: p.Cys152fs; shifts the reading frame from cysteine 152.
Molecular consequence: frameshift variant.
Genome position (GRCh38, 1-based): chr8:118,110,591-118,110,592, GC deleted on the plus strand (GC on the coding strand, the reverse complement: EXT1 is on the minus strand). VCF-style (leftmost placement, unchanged base first): chr8-118110590-GGC-G. GRCh37 (hg19) VCF-style: chr8-119122829-GGC-G.
Other names: short protein forms C152fs.
Identifiers: ClinVar variation 2767212 (VCV002767212.3), dbSNP rs2488051887, ClinGen allele CA2697550120.